The following is an entry in ClinVar:

ClinVar aggregate classification (germline): Conflicting classifications of pathogenicity. Review status: criteria provided, conflicting classifications (1 of 4 stars). 3 submissions from 3 submitters: Likely pathogenic (1); Uncertain significance (2). Last evaluated 2025-05-30.

Conditions:
Familial thoracic aortic aneurysm and aortic dissection (TAAD). Also called: Thoracic aortic aneurysms and dissections. Identifiers: Orphanet 91387, MedGen C4707243, MONDO:0019625.
Ehlers-Danlos syndrome (EDS). Identifiers: Orphanet 98249, MedGen C0013720, MONDO:0020066.

Submissions (3):

Ambry Genetics
Classification: Likely pathogenic for Familial thoracic aortic aneurysm and aortic dissection. Last evaluated: 2025-05-30. Review status: criteria provided, single submitter. Criteria: Ambry Variant Classification Scheme 2023. Collection method: clinical testing. Allele origin: germline.
Comment: The c.1342G>A (p.E448K) alteration is located in exon 19 (coding exon 19) of the COL3A1 gene. This alteration results from a G to A substitution at nucleotide position 1342, causing the glutamic acid (E) at amino acid position 448 to be replaced by a lysine (K). This variant was not reported in population-based cohorts in the Genome Aggregation Database (gnomAD). This variant was reported in individual(s) with features consistent with COL3A1-related Ehlers-Danlos syndrome (Colman, 2022; Damseh, 2022). This amino acid position is highly conserved in available vertebrate species. This alteration is predicted to be deleterious by in silico analysis. Based on the available evidence, this alteration is classified as likely pathogenic.

GeneDx
Classification: Uncertain significance. Last evaluated: 2024-04-16. Review status: criteria provided, single submitter. Criteria: GeneDx Variant Classification Process June 2021. Collection method: clinical testing. Allele origin: germline. Affected: yes.
Comment: Reported in association with vascular Ehlers-Danlos syndrome or a COL3A1-related phenotype in published literature (PMID: 35128800, 35587586); Not observed at significant frequency in large population cohorts (gnomAD); In silico analysis supports that this missense variant has a deleterious effect on protein structure/function; Occurs in the triple helical domain at the X position in the canonical Gly-X-Y repeat; although this variant may have an effect on normal protein folding and function, missense substitution at the X position is not a common mechanism of disease (HGMD); Other substitutions of glutamic acid with lysine in the X position have been reported in association with EDS; however, it is currently unknown whether this variant would have similar effect (PMID: 30837697); This variant is associated with the following publications: (PMID: 35128800, 35587586)

Genome Diagnostics Laboratory, The Hospital for Sick Children
Classification: Uncertain significance for Ehlers-Danlos syndrome. Last evaluated: 2019-06-01. Review status: criteria provided, single submitter. Criteria: ACMG Guidelines, 2015. Collection method: clinical testing. Allele origin: germline.

Literature cited by the submitters: PubMed 35128800 (cited by Ambry Genetics); PubMed 35587586 (cited by Ambry Genetics).

NM_000090.4(COL3A1):c.1342G>A (p.Glu448Lys)

Gene: COL3A1 (collagen type III alpha 1 chain; plus strand). Cytogenetic location: 2q32.2.
Variant type: single nucleotide variant.
Coding change: c.1342G>A on transcript NM_000090.4 (MANE Select); coding-DNA position 1342, G replaced by A.
Protein change: p.Glu448Lys; replaces glutamic acid 448 with lysine.
Molecular consequence: missense variant.
Genome position (GRCh38, 1-based): chr2:188,994,589, G>A. VCF-style: chr2-188994589-G-A. GRCh37 (hg19) VCF-style: chr2-189859315-G-A.
Other names: short protein forms E448K.
Identifiers: ClinVar variation 449788 (VCV000449788.8), dbSNP rs1553507955, ClinGen allele CA349851707.